The following is an entry in ClinVar:

NM_000051.4(ATM):c.6196_6198del (p.Gln2066del)

Genes: ATM (ATM serine/threonine kinase; plus strand), C11orf65 (chromosome 11 open reading frame 65; minus strand). Cytogenetic location: 11q22.3.
Variant type: Deletion.
Coding change: c.6196_6198del on transcript NM_000051.4 (MANE Select); coding-DNA positions 6196 to 6198, 3 bases deleted (CAG; older notation c.6196_6198delCAG).
Protein change: p.Gln2066del; deletes glutamine 2066.
Molecular consequence: inframe deletion. On other transcripts: intron variant (2).
Genome position (GRCh38, 1-based): chr11:108,316,111-108,316,113, CAG deleted. VCF-style (leftmost placement, unchanged base first): chr11-108316110-TCAG-T. GRCh37 (hg19) VCF-style: chr11-108186837-TCAG-T.
Other names: c.6196_6198del, p.Gln2066del (NM_001351834.2); c.641-7042_641-7040del (NM_001330368.2); c.*39-7042_*39-7040del (NM_001351110.2); short protein forms Q2066del.
Identifiers: ClinVar variation 1514155 (VCV001514155.8), dbSNP rs2136132718, ClinGen allele CA2573146616.

ClinVar aggregate classification (germline): Uncertain significance (1 of 4 stars; one submission).

Conditions:
Ataxia-telangiectasia syndrome (AT). Also called: LOUIS-BAR SYNDROME; Cerebello-oculocutaneous telangiectasia; Immunodeficiency with ataxia telangiectasia; Ataxia telangiectasia (A-T); Ataxia-telangiectasia, complementation group D; AT, COMPLEMENTATION GROUP C. Identifiers: Orphanet 100, MedGen C0004135, MONDO:0008840, OMIM 208900.

Submission:

Labcorp Genetics (formerly Invitae), Labcorp
Classification: Uncertain significance for Ataxia-telangiectasia syndrome. Last evaluated: 2021-03-02. Review status: criteria provided, single submitter. Criteria: Invitae Variant Classification Sherloc (09022015). Collection method: clinical testing. Allele origin: germline.
Comment: In summary, the available evidence is currently insufficient to determine the role of this variant in disease. Therefore, it has been classified as a Variant of Uncertain Significance. Nucleotide substitutions within the consensus splice site are a relatively common cause of aberrant splicing (PMID: 17576681, 9536098). Algorithms developed to predict the effect of sequence changes on RNA splicing suggest that this variant may disrupt the consensus splice site, but this prediction has not been confirmed by published transcriptional studies. This variant, c.6196_6198del, results in the deletion of 1 amino acid(s) of the ATM protein (p.Gln2066del), but otherwise preserves the integrity of the reading frame. This variant also falls at the last nucleotide of exon 42, which is part of the consensus splice site for this exon. This variant is not present in population databases (ExAC no frequency). This variant has not been reported in the literature in individuals with ATM-related conditions.

Literature cited by the submitters: PubMed 17576681; PubMed 9536098.